The following is an entry in ClinVar:

ClinVar aggregate classification (germline): Pathogenic (1 of 4 stars; one submission).

Conditions:
LAMA2-related muscular dystrophy (LAMA2-RD). Also called: Laminin alpha 2-related dystrophy. Identifiers: MedGen C5679788, MONDO:0100228.

Submission:

Myriad Genetics, Inc.
Classification: Pathogenic for LAMA2-related muscular dystrophy. Last evaluated: 2023-08-21. Review status: criteria provided, single submitter. Criteria: Myriad Autosomal Dominant, Autosomal Recessive and X-Linked Classification Criteria (2023). Collection method: clinical testing. Allele origin: unknown.
Comment: NM_000426.3(LAMA2):c.3125del1ins5(S1042Yfs*3) is expected to be pathogenic in the context of muscular dystrophy, LAMA2-related. This variant is predicted to lead to an abnormal or absent protein product due to the creation of a premature termination codon in LAMA2, a gene where loss-of-function variants are known to be pathogenic. Please note: this variant was assessed in the context of healthy population screening.

NM_000426.4(LAMA2):c.3125delinsATGAG (p.Ser1042fs)

Gene: LAMA2 (laminin subunit alpha 2; plus strand). Cytogenetic location: 6q22.33.
Variant type: Indel.
Coding change: c.3125delinsATGAG on transcript NM_000426.4 (MANE Select); coding-DNA position 3125, C replaced by ATGAG.
Protein change: p.Ser1042fs; shifts the reading frame from serine 1042.
Molecular consequence: frameshift variant.
Genome position (GRCh38, 1-based): chr6:129,300,823, C replaced by ATGAG. VCF-style: chr6-129300823-C-ATGAG. GRCh37 (hg19) VCF-style: chr6-129621968-C-ATGAG.
Other names: c.3125delinsATGAG, p.Ser1042fs (NM_001079823.2); short protein forms S1042fs.
Identifiers: ClinVar variation 5011433 (VCV005011433.1).